The following is an entry in ClinVar:

ClinVar aggregate classification (germline): Uncertain significance. Review status: criteria provided, multiple submitters, no conflicts (2 of 4 stars). 3 submissions from 3 submitters: Uncertain significance (3). Last evaluated 2024-05-22.

Conditions:
Intellectual disability, autosomal dominant 16 (CSS4). Also called: COFFIN-SIRIS SYNDROME 4. Identifiers: Orphanet 1465, MedGen C3553249, MONDO:0013821, OMIM 614609.
Hereditary cancer-predisposing syndrome. Also called: Neoplastic Syndromes, Hereditary; Tumor predisposition; Hereditary neoplastic syndrome; Hereditary Cancer Syndrome. Identifiers: Orphanet 140162, MedGen C0027672, MeSH D009386, MONDO:0015356.
Rhabdoid tumor predisposition syndrome 2 (RTPS2). Identifiers: Orphanet 231108, Orphanet 69077, MedGen C2750074, MONDO:0013224, OMIM 613325.

Allele frequency attached by ClinVar (database versions not stated): gnomAD exomes below 0.00001.
gnomAD v4.1: 2 of 1,613,224 alleles (0.00012%); highest among the groups gnomAD compares: Middle Eastern, 0.017%; no homozygotes.

Submissions (3):

Labcorp Genetics (formerly Invitae), Labcorp
Classification: Uncertain significance for Rhabdoid tumor predisposition syndrome 2. Last evaluated: 2024-05-22. Review status: criteria provided, single submitter. Criteria: Invitae Variant Classification Sherloc (09022015). Collection method: clinical testing. Allele origin: germline.
Comment: This sequence change replaces valine, which is neutral and non-polar, with isoleucine, which is neutral and non-polar, at codon 1516 of the SMARCA4 protein (p.Val1516Ile). This variant is not present in population databases (gnomAD no frequency). This variant has not been reported in the literature in individuals affected with SMARCA4-related conditions. ClinVar contains an entry for this variant (Variation ID: 824992). Advanced modeling of protein sequence and biophysical properties (such as structural, functional, and spatial information, amino acid conservation, physicochemical variation, residue mobility, and thermodynamic stability) has been performed at Invitae for this missense variant, however the output from this modeling did not meet the statistical confidence thresholds required to predict the impact of this variant on SMARCA4 protein function. In summary, the available evidence is currently insufficient to determine the role of this variant in disease. Therefore, it has been classified as a Variant of Uncertain Significance.

Genome-Nilou Lab
Classification: Uncertain significance for Intellectual disability, autosomal dominant 16. Last evaluated: 2021-07-15. Review status: criteria provided, single submitter. Criteria: ACMG Guidelines, 2015. Collection method: clinical testing. Allele origin: germline. Affected: no.

Ambry Genetics
Classification: Uncertain significance for Hereditary cancer-predisposing syndrome. Last evaluated: 2021-03-24. Review status: criteria provided, single submitter. Criteria: Ambry Variant Classification Scheme 2023. Collection method: clinical testing. Allele origin: germline.
Comment: The p.V1516I variant (also known as c.4546G>A), located in coding exon 31 of the SMARCA4 gene, results from a G to A substitution at nucleotide position 4546. The valine at codon 1516 is replaced by isoleucine, an amino acid with highly similar properties. This amino acid position is highly conserved in available vertebrate species. In addition, this alteration is predicted to be tolerated by in silico analysis. Missense and in-frame variants in SMARCA4 are known to cause neurodevelopmental disorders; however, such associations with rhabdoid tumor predisposition syndrome including small cell carcinoma of the ovary-hypercalcemic type (SCCOHT) are exceedingly rare (Kosho T et al. Am J Med Genet C Semin Med Genet. 2014 Sep;166C(3):262-75; Jelinic P et al. Nat Genet. 2014 May;46(5):424-6). Since supporting evidence is limited at this time, the clinical significance of this alteration remains unclear.

NM_003072.5(SMARCA4):c.4450G>A (p.Val1484Ile)

Gene: SMARCA4 (SWI/SNF related BAF chromatin remodeling complex subunit ATPase 4; plus strand). Cytogenetic location: 19p13.2.
Variant type: single nucleotide variant.
Coding change: c.4450G>A on transcript NM_003072.5 (MANE Select); coding-DNA position 4450, G replaced by A.
Protein change: p.Val1484Ile; replaces valine 1484 with isoleucine.
Molecular consequence: missense variant. On other transcripts: non-coding transcript variant (1).
Genome position (GRCh38, 1-based): chr19:11,058,280, G>A. VCF-style: chr19-11058280-G-A. GRCh37 (hg19) VCF-style: chr19-11168956-G-A.
Other names: c.4450G>A, p.Val1484Ile (NM_001128844.3); c.4360G>A, p.Val1454Ile (NM_001128845.2); c.4357G>A, p.Val1453Ile (NM_001128846.2); c.4351G>A, p.Val1451Ile (NM_001128847.4, NM_001374457.1); c.4348G>A, p.Val1450Ile (NM_001128848.2); c.4546G>A, p.Val1516Ile (NM_001128849.3); short protein forms V1450I, V1516I, V1484I, V1451I, V1453I, V1454I.
Identifiers: ClinVar variation 824992 (VCV000824992.16), dbSNP rs1600629958, ClinGen allele CA404077353.